The following is an entry in ClinVar:

ClinVar aggregate classification (germline): Pathogenic. Review status: criteria provided, multiple submitters, no conflicts (2 of 4 stars). 2 submissions from 2 submitters: Pathogenic (2). Last evaluated 2023-09-14.

Conditions:
Familial cancer of breast. Also called: Hereditary breast cancer; hereditary breast carcinoma; BREAST CANCER, FAMILIAL. Identifiers: Orphanet 227535, MedGen C0346153, MONDO:0016419, OMIM 114480. Disease mechanism: loss of function.

Submissions (2):

Myriad Genetics, Inc.
Classification: Pathogenic for Familial cancer of breast. Last evaluated: 2023-09-14. Review status: criteria provided, single submitter. Criteria: Myriad Autosomal Dominant, Autosomal Recessive and X-Linked Classification Criteria (2023). Collection method: clinical testing. Allele origin: unknown.
Comment: This variant is considered pathogenic. This variant creates a frameshift predicted to result in premature protein truncation.

Labcorp Genetics (formerly Invitae), Labcorp
Classification: Pathogenic for Familial cancer of breast. Last evaluated: 2019-07-11. Review status: criteria provided, single submitter. Criteria: Invitae Variant Classification Sherloc (09022015). Collection method: clinical testing. Allele origin: germline.
Comment: This sequence change creates a premature translational stop signal (p.Gly1000Alafs*7) in the PALB2 gene. It is expected to result in an absent or disrupted protein product. This variant is not present in population databases (ExAC no frequency). This variant has not been reported in the literature in individuals with PALB2-related conditions. Loss-of-function variants in PALB2 are known to be pathogenic (PMID: 17200668, 24136930, 25099575). For these reasons, this variant has been classified as Pathogenic.

Literature cited by the submitters: PubMed 17200668 (cited by Labcorp Genetics (formerly Invitae), Labcorp); PubMed 24136930 (cited by Labcorp Genetics (formerly Invitae), Labcorp); PubMed 25099575 (cited by Labcorp Genetics (formerly Invitae), Labcorp).

NM_024675.4(PALB2):c.2999del (p.Gly1000fs)

Gene: PALB2 (partner and localizer of BRCA2; minus strand). Cytogenetic location: 16p12.2.
Variant type: Deletion.
Coding change: c.2999del on transcript NM_024675.4 (MANE Select); coding-DNA position 2999, one base deleted (G; older notation c.2999delG).
Protein change: p.Gly1000fs; shifts the reading frame from glycine 1000.
Molecular consequence: frameshift variant.
Genome position (GRCh38, 1-based): chr16:23,621,476, C deleted on the plus strand (G on the coding strand, the reverse complement: PALB2 is on the minus strand); the first of 2 consecutive C bases (chr16:23,621,476-23,621,477); deleting either gives the same sequence. VCF-style (leftmost placement, unchanged base first): chr16-23621475-GC-G. GRCh37 (hg19) VCF-style: chr16-23632796-GC-G.
Other names: short protein forms G1000fs.
Identifiers: ClinVar variation 948205 (VCV000948205.9), dbSNP rs1966773290, ClinGen allele CA1139664574.